The following is an entry in ClinVar:

ClinVar aggregate classification (germline): Uncertain significance (1 of 4 stars; one submission).

Conditions:
Cohen syndrome (COH1). Also called: PEPPER SYNDROME; Cutis verticis gyrata, retinitis pigmentosa, and sensorineural deafness. Identifiers: Orphanet 193, MedGen C0265223, MONDO:0008999, OMIM 216550.

Allele frequency attached by ClinVar (database versions not stated): gnomAD exomes below 0.00001; TOPMed below 0.00001.
gnomAD v4.1: 2 of 1,610,724 alleles (0.00012%); highest among the groups gnomAD compares: Admixed American, 0.0017%; no homozygotes.

Submission:

Labcorp Genetics (formerly Invitae), Labcorp
Classification: Uncertain significance for Cohen syndrome. Last evaluated: 2024-01-02. Review status: criteria provided, single submitter. Criteria: Invitae Variant Classification Sherloc (09022015). Collection method: clinical testing. Allele origin: germline.
Comment: This sequence change falls in intron 7 of the VPS13B gene. It does not directly change the encoded amino acid sequence of the VPS13B protein. This variant is present in population databases (no rsID available, gnomAD 0.002%). This variant has not been reported in the literature in individuals affected with VPS13B-related conditions. ClinVar contains an entry for this variant (Variation ID: 2157945). Algorithms developed to predict the effect of sequence changes on RNA splicing suggest that this variant may disrupt the consensus splice site. In summary, the available evidence is currently insufficient to determine the role of this variant in disease. Therefore, it has been classified as a Variant of Uncertain Significance.

NM_152564.5(VPS13B):c.938-8A>G

Gene: VPS13B (vacuolar protein sorting 13 homolog B; plus strand). Cytogenetic location: 8q22.2.
Variant type: single nucleotide variant.
Coding change: c.938-8A>G on transcript NM_152564.5 (MANE Select); 8 bases into the intron before coding-DNA position 938, A replaced by G.
Molecular consequence: intron variant.
Genome position (GRCh38, 1-based): chr8:99,121,169, A>G. VCF-style: chr8-99121169-A-G. GRCh37 (hg19) VCF-style: chr8-100133397-A-G.
Other names: c.938-8A>G (NM_017890.5, NM_015243.3, NM_181661.3).
Identifiers: ClinVar variation 2157945 (VCV002157945.4), dbSNP rs1230029599, ClinGen allele CA583847863.